The following is an entry in ClinVar:

ClinVar aggregate classification (germline): Pathogenic (1 of 4 stars; one submission).

Submission:

Labcorp Genetics (formerly Invitae), Labcorp
Classification: Pathogenic. Last evaluated: 2022-09-08. Review status: criteria provided, single submitter. Criteria: Invitae Variant Classification Sherloc (09022015). Collection method: clinical testing. Allele origin: germline.
Comment: For these reasons, this variant has been classified as Pathogenic. This variant has not been reported in the literature in individuals affected with FNIP1-related conditions. This variant is not present in population databases (gnomAD no frequency). This sequence change creates a premature translational stop signal (p.Glu975*) in the FNIP1 gene. It is expected to result in an absent or disrupted protein product. Loss-of-function variants in FNIP1 are known to be pathogenic (PMID: 32181500, 32905580).

Literature cited by the submitters: PubMed 32181500; PubMed 32905580.

NM_133372.3(FNIP1):c.2922dup (p.Glu975Ter)

Gene: FNIP1 (folliculin interacting protein 1; minus strand). Cytogenetic location: 5q31.1.
Variant type: Duplication.
Coding change: c.2922dup on transcript NM_133372.3 (MANE Select); coding-DNA position 2922, one base duplicated (T; older notation c.2922dupT).
Protein change: p.Glu975Ter; replaces glutamic acid 975 with a stop codon.
Molecular consequence: nonsense.
Genome position (GRCh38, 1-based): chr5:131,671,522, A duplicated on the plus strand (T on the coding strand, the reverse complement: FNIP1 is on the minus strand). VCF-style (leftmost placement, unchanged base first): chr5-131671521-C-CA. GRCh37 (hg19) VCF-style: chr5-131007214-C-CA.
Other names: c.2838dup, p.Glu947Ter (NM_001008738.3); c.2787dup, p.Glu930Ter (NM_001346114.2); short protein forms E930*, E975*, E947*.
Identifiers: ClinVar variation 2025700 (VCV002025700.4), dbSNP rs2532125261, ClinGen allele CA2580072625.